The following is an entry in ClinVar:

ClinVar aggregate classification (germline): Uncertain significance (1 of 4 stars; one submission).

Allele frequency attached by ClinVar (database versions not stated): gnomAD 0.00002; TOPMed 0.00002.

Submission:

Labcorp Genetics (formerly Invitae), Labcorp
Classification: Uncertain significance. Last evaluated: 2022-04-02. Review status: criteria provided, single submitter. Criteria: Invitae Variant Classification Sherloc (09022015). Collection method: clinical testing. Allele origin: germline.
Comment: This variant is not present in population databases (gnomAD no frequency). In summary, the available evidence is currently insufficient to determine the role of this variant in disease. Therefore, it has been classified as a Variant of Uncertain Significance. Algorithms developed to predict the effect of missense changes on protein structure and function are either unavailable or do not agree on the potential impact of this missense change (SIFT: "Deleterious"; PolyPhen-2: "Possibly Damaging"; Align-GVGD: "Class C0"). This variant has not been reported in the literature in individuals affected with RNF170-related conditions. This sequence change replaces serine, which is neutral and polar, with phenylalanine, which is neutral and non-polar, at codon 95 of the RNF170 protein (p.Ser95Phe).

NM_030954.4(RNF170):c.284C>T (p.Ser95Phe)

Gene: RNF170 (ring finger protein 170; minus strand). Cytogenetic location: 8p11.21.
Variant type: single nucleotide variant.
Coding change: c.284C>T on transcript NM_030954.4 (MANE Select); coding-DNA position 284, C replaced by T.
Protein change: p.Ser95Phe; replaces serine 95 with phenylalanine.
Molecular consequence: missense variant. On other transcripts: non-coding transcript variant (2).
Genome position (GRCh38, 1-based): chr8:42,870,042, G>A on the plus strand (C>T on the coding strand, the complement: RNF170 is on the minus strand). VCF-style: chr8-42870042-G-A. GRCh37 (hg19) VCF-style: chr8-42725185-G-A.
Other names: c.284C>T, p.Ser95Phe (NM_001160223.2, NM_001160224.2); c.32C>T, p.Ser11Phe (NM_001160225.2); short protein forms S11F, S95F.
Identifiers: ClinVar variation 2120826 (VCV002120826.4), dbSNP rs1276507279, ClinGen allele CA371112826.
Genomic context (GRCh38, chr8:42,870,042, plus strand): 5'-AAGTATAGCGTTGTTTGCTTACCACAAAAAAGATGTCCACAGTTGGTCTCCACCGGGAAG[G>A]AGGCTTGGTGCAGGCAGATGGGACAGTACATGTCAGTGTAGAACTGCTGTCGAGTGGCAG-3'
Protein context (NP_112216.3, residues 85-105): MYCPICLHQA[Ser95Phe]FPVETNCGHL